The following is an entry in ClinVar:

NM_032608.7(MYO18B):c.4098A>T (p.Ala1366=)

Gene: MYO18B (myosin XVIIIB; plus strand). Cytogenetic location: 22q12.1.
Variant type: single nucleotide variant.
Coding change: c.4098A>T on transcript NM_032608.7 (MANE Select); coding-DNA position 4098, A replaced by T.
Protein change: p.Ala1366=; no amino-acid change (alanine 1366 retained).
Molecular consequence: synonymous variant.
Genome position (GRCh38, 1-based): chr22:25,876,206, A>T. VCF-style: chr22-25876206-A-T. GRCh37 (hg19) VCF-style: chr22-26272173-A-T.
Other names: c.4101A>T, p.Ala1367= (NM_001318245.2); c.4098A>T (NM_032608.6).
Identifiers: ClinVar variation 1622212 (VCV001622212.11), dbSNP rs768746672, ClinGen allele CA10160768.

ClinVar aggregate classification (germline): Likely benign. Review status: criteria provided, multiple submitters, no conflicts (2 of 4 stars). 3 submissions from 3 submitters: Likely benign (2). 1 of the submissions does not count toward it. Last evaluated 2025-12-08.

Conditions:
MYO18B-related disorder. Also called: MYO18B-related condition.

Allele frequency attached by ClinVar (database versions not stated): ExAC 0.00005; gnomAD 0.00009 and 0.00010; gnomAD exomes 0.00009 and 0.00010; TOPMed 0.00009.
gnomAD v4.1: 155 of 1,612,594 alleles (0.0096%); highest among the groups gnomAD compares: Middle Eastern, 0.049%; 1 homozygote.

Submissions (3):

Labcorp Genetics (formerly Invitae), Labcorp
Classification: Likely benign. Last evaluated: 2025-12-08. Review status: criteria provided, single submitter. Criteria: Invitae Variant Classification Sherloc (09022015). Collection method: clinical testing. Allele origin: germline.

Blueprint Genetics
Classification: Likely benign. Last evaluated: 2024-03-08. Review status: criteria provided, single submitter. Criteria: ACMG Guidelines, 2015. Collection method: clinical testing. Allele origin: germline.

PreventionGenetics, part of Exact Sciences
Classification: Likely benign for MYO18B-related condition. Last evaluated: 2019-05-22. Review status: no assertion criteria provided. Collection method: clinical testing. Allele origin: germline. Not counted in ClinVar's aggregate classification.
Comment: This variant is classified as likely benign based on ACMG/AMP sequence variant interpretation guidelines (Richards et al. 2015 PMID: 25741868, with internal and published modifications).